The following is an entry in ClinVar:

ClinVar aggregate classification (germline): Likely benign (0 of 4 stars; one submission).

Conditions:
PHF3-related disorder. Also called: PHF3-related condition.

Allele frequency attached by ClinVar (database versions not stated): gnomAD exomes 0.00004; ExAC 0.00016; 1000 Genomes Project 30x 0.00047; TOPMed 0.00056; gnomAD 0.00057; 1000 Genomes Project 0.00060; ESP Exome Variant Server 0.00077.
gnomAD v4.1: 152 of 1,613,868 alleles (0.0094%); highest among the groups gnomAD compares: African/African-American, 0.19%; no homozygotes.

Submission:

PreventionGenetics, part of Exact Sciences
Classification: Likely benign for PHF3-related condition. Last evaluated: 2023-12-21. Review status: no assertion criteria provided. Collection method: clinical testing. Allele origin: germline.
Comment: This variant is classified as likely benign based on ACMG/AMP sequence variant interpretation guidelines (Richards et al. 2015 PMID: 25741868, with internal and published modifications).

NM_001370348.2(PHF3):c.4827G>C (p.Gln1609His)

Gene: PHF3 (PHD finger protein 3; plus strand). Cytogenetic location: 6q12.
Variant type: single nucleotide variant.
Coding change: c.4827G>C on transcript NM_001370348.2 (MANE Select); coding-DNA position 4827, G replaced by C.
Protein change: p.Gln1609His; replaces glutamine 1609 with histidine.
Molecular consequence: missense variant.
Genome position (GRCh38, 1-based): chr6:63,712,415, G>C. VCF-style: chr6-63712415-G-C. GRCh37 (hg19) VCF-style: chr6-64422311-G-C.
Other names: c.4563G>C, p.Gln1521His (NM_001290259.2, NM_001370349.2); c.2634G>C, p.Gln878His (NM_001370350.2); c.4827G>C, p.Gln1609His (NM_015153.4); short protein forms Q1521H, Q1609H, Q878H.
Identifiers: ClinVar variation 3058330 (VCV003058330.2), dbSNP rs62001890, ClinGen allele CA3876420.